The following is an entry in ClinVar:

ClinVar aggregate classification (germline): Likely benign (0 of 4 stars; one submission).

Conditions:
DIP2B-related disorder. Also called: DIP2B-related condition.

Allele frequency attached by ClinVar (database versions not stated): gnomAD 0.00002; gnomAD exomes 0.00002; ExAC 0.00006; TOPMed 0.00007.
gnomAD v4.1: 33 of 1,610,124 alleles (0.002%); highest among the groups gnomAD compares: East Asian, 0.065%; no homozygotes.

Submission:

PreventionGenetics, part of Exact Sciences
Classification: Likely benign for DIP2B-related condition. Last evaluated: 2019-06-24. Review status: no assertion criteria provided. Collection method: clinical testing. Allele origin: germline.
Comment: This variant is classified as likely benign based on ACMG/AMP sequence variant interpretation guidelines (Richards et al. 2015 PMID: 25741868, with internal and published modifications).

NM_173602.3(DIP2B):c.1654+10C>T

Gene: DIP2B (disco interacting protein 2 homolog B; plus strand). Cytogenetic location: 12q13.12.
Variant type: single nucleotide variant.
Coding change: c.1654+10C>T on transcript NM_173602.3 (MANE Select); 10 bases into the intron after coding-DNA position 1654, C replaced by T.
Molecular consequence: intron variant.
Genome position (GRCh38, 1-based): chr12:50,691,161, C>T. VCF-style: chr12-50691161-C-T. GRCh37 (hg19) VCF-style: chr12-51084944-C-T.
Identifiers: ClinVar variation 3042790 (VCV003042790.2), dbSNP rs200707959, ClinGen allele CA6564579.